The following is an entry in ClinVar:

NM_018419.3(SOX18):c.1047G>A (p.Leu349=)

Gene: SOX18 (SRY-box transcription factor 18; minus strand). Cytogenetic location: 20q13.33.
Variant type: single nucleotide variant.
Coding change: c.1047G>A on transcript NM_018419.3 (MANE Select); coding-DNA position 1047, G replaced by A.
Protein change: p.Leu349=; no amino-acid change (leucine 349 retained).
Molecular consequence: synonymous variant.
Genome position (GRCh38, 1-based): chr20:64,048,274, C>T on the plus strand (G>A on the coding strand, the complement: SOX18 is on the minus strand). VCF-style: chr20-64048274-C-T. GRCh37 (hg19) VCF-style: chr20-62679627-C-T.
Other names: c.1047G>A (NM_018419.2).
Identifiers: ClinVar variation 1922877 (VCV001922877.7), dbSNP rs372499994, ClinGen allele CA9972816.

ClinVar aggregate classification (germline): Likely benign. Review status: criteria provided, single submitter (1 of 4 stars). 2 submissions from 2 submitters: Likely benign (1). 1 of the submissions does not count toward it. Last evaluated 2022-08-29.

Conditions:
SOX18-related disorder. Also called: SOX18-related condition.

Allele frequency attached by ClinVar (database versions not stated): ExAC 0.00002; gnomAD 0.00002; TOPMed 0.00003; gnomAD exomes 0.00007; ESP Exome Variant Server 0.00008.

Submissions (2):

Labcorp Genetics (formerly Invitae), Labcorp
Classification: Likely benign. Last evaluated: 2022-08-29. Review status: criteria provided, single submitter. Criteria: Invitae Variant Classification Sherloc (09022015). Collection method: clinical testing. Allele origin: germline.

PreventionGenetics, part of Exact Sciences
Classification: Likely benign for SOX18-related condition. Last evaluated: 2019-12-11. Review status: no assertion criteria provided. Collection method: clinical testing. Allele origin: germline. Not counted in ClinVar's aggregate classification.
Comment: This variant is classified as likely benign based on ACMG/AMP sequence variant interpretation guidelines (Richards et al. 2015 PMID: 25741868, with internal and published modifications).